The following is an entry in ClinVar:

ClinVar aggregate classification (germline): Uncertain significance (1 of 4 stars; one submission).

Conditions:
MHC class II deficiency. Also called: BLS, TYPE II; Bare lymphocyte syndrome 2. Identifiers: Orphanet 572, MedGen C5447452, MONDO:0008855.

Allele frequency attached by ClinVar (database versions not stated): gnomAD 0.00001; gnomAD exomes 0.00001; TOPMed 0.00002.

Submission:

Labcorp Genetics (formerly Invitae), Labcorp
Classification: Uncertain significance for MHC class II deficiency. Last evaluated: 2022-06-24. Review status: criteria provided, single submitter. Criteria: Invitae Variant Classification Sherloc (09022015). Collection method: clinical testing. Allele origin: germline.
Comment: This sequence change replaces alanine, which is neutral and non-polar, with valine, which is neutral and non-polar, at codon 195 of the RFX5 protein (p.Ala195Val). This variant is present in population databases (no rsID available, gnomAD 0.002%). This variant has not been reported in the literature in individuals affected with RFX5-related conditions. Algorithms developed to predict the effect of missense changes on protein structure and function are either unavailable or do not agree on the potential impact of this missense change (SIFT: "Tolerated"; PolyPhen-2: "Possibly Damaging"; Align-GVGD: "Class C0"). In summary, the available evidence is currently insufficient to determine the role of this variant in disease. Therefore, it has been classified as a Variant of Uncertain Significance.

NM_001025603.2(RFX5):c.584C>T (p.Ala195Val)

Gene: RFX5 (regulatory factor X5; minus strand). Cytogenetic location: 1q21.3.
Variant type: single nucleotide variant.
Coding change: c.584C>T on transcript NM_001025603.2 (MANE Select); coding-DNA position 584, C replaced by T.
Protein change: p.Ala195Val; replaces alanine 195 with valine.
Molecular consequence: missense variant.
Genome position (GRCh38, 1-based): chr1:151,343,854, G>A on the plus strand (C>T on the coding strand, the complement: RFX5 is on the minus strand). VCF-style: chr1-151343854-G-A. GRCh37 (hg19) VCF-style: chr1-151316330-G-A.
Other names: c.584C>T, p.Ala195Val (NM_000449.4, NM_001379412.1, NM_001379413.1 and 5 more transcripts); c.464C>T, p.Ala155Val (NM_001379419.1, NM_001379420.1); short protein forms A155V, A195V.
Identifiers: ClinVar variation 1433105 (VCV001433105.3), dbSNP rs1161918393, ClinGen allele CA341939020.